The following is an entry in ClinVar:

ClinVar aggregate classification (germline): Conflicting classifications of pathogenicity. Review status: criteria provided, conflicting classifications (1 of 4 stars). 2 submissions from 2 submitters: Uncertain significance (1); Likely benign (1). Last evaluated 2024-05-13.

Allele frequency attached by ClinVar (database versions not stated): ExAC 0.00001; gnomAD 0.00001; TOPMed 0.00001.
gnomAD v4.1: 7 of 1,613,734 alleles (0.00043%); highest among the groups gnomAD compares: African/African-American, 0.0027%; no homozygotes.

Submissions (2):

Ambry Genetics
Classification: Likely benign. Last evaluated: 2024-05-13. Review status: criteria provided, single submitter. Criteria: Ambry Variant Classification Scheme 2023. Collection method: clinical testing. Allele origin: germline.

Labcorp Genetics (formerly Invitae), Labcorp
Classification: Uncertain significance. Last evaluated: 2022-10-28. Review status: criteria provided, single submitter. Criteria: Invitae Variant Classification Sherloc (09022015). Collection method: clinical testing. Allele origin: germline.
Comment: In summary, the available evidence is currently insufficient to determine the role of this variant in disease. Therefore, it has been classified as a Variant of Uncertain Significance. Algorithms developed to predict the effect of missense changes on protein structure and function output the following: SIFT: "Deleterious"; PolyPhen-2: "Probably Damaging"; Align-GVGD: "Class C0". The cysteine amino acid residue is found in multiple mammalian species, which suggests that this missense change does not adversely affect protein function. This variant has not been reported in the literature in individuals affected with KLHDC8B-related conditions. This variant is not present in population databases (gnomAD no frequency). This sequence change replaces arginine, which is basic and polar, with cysteine, which is neutral and slightly polar, at codon 146 of the KLHDC8B protein (p.Arg146Cys).

NM_173546.3(KLHDC8B):c.436C>T (p.Arg146Cys)

Gene: KLHDC8B (kelch domain containing 8B; plus strand). Cytogenetic location: 3p21.31.
Variant type: single nucleotide variant.
Coding change: c.436C>T on transcript NM_173546.3 (MANE Select); coding-DNA position 436, C replaced by T.
Protein change: p.Arg146Cys; replaces arginine 146 with cysteine.
Molecular consequence: missense variant.
Genome position (GRCh38, 1-based): chr3:49,174,298, C>T. VCF-style: chr3-49174298-C-T. GRCh37 (hg19) VCF-style: chr3-49211731-C-T.
Other names: c.436C>T (NM_173546.2); short protein forms R146C.
Identifiers: ClinVar variation 2979993 (VCV002979993.4), dbSNP rs780074938, ClinGen allele CA2395492.